The following is an entry in ClinVar:

NM_000136.3(FANCC):c.956C>T (p.Thr319Met)

Genes: FANCC (FA complementation group C; minus strand), AOPEP (aminopeptidase O (putative); plus strand). Cytogenetic location: 9q22.32.
Variant type: single nucleotide variant.
Coding change: c.956C>T on transcript NM_000136.3 (MANE Select); coding-DNA position 956, C replaced by T.
Protein change: p.Thr319Met; replaces threonine 319 with methionine.
Molecular consequence: missense variant.
Genome position (GRCh38, 1-based): chr9:95,125,126, G>A on the plus strand (C>T on the coding strand, the complement: FANCC is on the minus strand). VCF-style: chr9-95125126-G-A. GRCh37 (hg19) VCF-style: chr9-97887408-G-A.
Other names: c.956C>T, p.Thr319Met (NM_001243743.2, NM_001243744.2); short protein forms T319M.
Identifiers: ClinVar variation 666102 (VCV000666102.13), dbSNP rs745910444, ClinGen allele CA5137575.

ClinVar aggregate classification (germline): Uncertain significance. Review status: criteria provided, multiple submitters, no conflicts (2 of 4 stars). 4 submissions from 4 submitters: Uncertain significance (3). 1 of the submissions does not count toward it. Last evaluated 2024-05-17.

Conditions:
Fanconi anemia (FA). Also called: Fanconi's anemia. Identifiers: Orphanet 84, MedGen C0015625, MeSH D005199, MONDO:0019391.
Fanconi anemia complementation group C (FANCC). Also called: FANCC-Related Fanconi Anemia; Fanconi anemia, group C; FANCONI PANCYTOPENIA, TYPE 3; FACC. Identifiers: Orphanet 84, MedGen C3468041, MONDO:0009213, OMIM 227645.
Hereditary cancer-predisposing syndrome. Also called: Tumor predisposition; Hereditary neoplastic syndrome; Neoplastic Syndromes, Hereditary; Hereditary Cancer Syndrome. Identifiers: Orphanet 140162, MedGen C0027672, MeSH D009386, MONDO:0015356.

Allele frequency attached by ClinVar (database versions not stated): gnomAD 0.00001; gnomAD exomes 0.00001; TOPMed 0.00001; ExAC 0.00002.
gnomAD v4.1: 22 of 1,614,056 alleles (0.0014%); highest among the groups gnomAD compares: Middle Eastern, 0.016%; no homozygotes.

Submissions (4):

GeneDx
Classification: Uncertain significance. Last evaluated: 2024-05-17. Review status: criteria provided, single submitter. Criteria: GeneDx Variant Classification Process June 2021. Collection method: clinical testing. Allele origin: germline. Affected: yes.
Comment: Not observed at significant frequency in large population cohorts (gnomAD); In silico analysis supports that this missense variant has a deleterious effect on protein structure/function; Has not been previously published as pathogenic or benign to our knowledge; This variant is associated with the following publications: (PMID: 27397505, Gordon2000[Book])

Labcorp Genetics (formerly Invitae), Labcorp
Classification: Uncertain significance for Fanconi anemia. Last evaluated: 2024-05-07. Review status: criteria provided, single submitter. Criteria: Invitae Variant Classification Sherloc (09022015). Collection method: clinical testing. Allele origin: germline.
Comment: This sequence change replaces threonine, which is neutral and polar, with methionine, which is neutral and non-polar, at codon 319 of the FANCC protein (p.Thr319Met). This variant is present in population databases (rs745910444, gnomAD 0.007%). This variant has not been reported in the literature in individuals affected with FANCC-related conditions. ClinVar contains an entry for this variant (Variation ID: 666102). Advanced modeling of protein sequence and biophysical properties (such as structural, functional, and spatial information, amino acid conservation, physicochemical variation, residue mobility, and thermodynamic stability) performed at Invitae indicates that this missense variant is not expected to disrupt FANCC protein function with a negative predictive value of 80%. In summary, the available evidence is currently insufficient to determine the role of this variant in disease. Therefore, it has been classified as a Variant of Uncertain Significance.

Ambry Genetics
Classification: Uncertain significance for Hereditary cancer-predisposing syndrome. Last evaluated: 2023-03-03. Review status: criteria provided, single submitter. Criteria: Ambry Variant Classification Scheme 2023. Collection method: clinical testing. Allele origin: germline.
Comment: The p.T319M variant (also known as c.956C>T), located in coding exon 9 of the FANCC gene, results from a C to T substitution at nucleotide position 956. The threonine at codon 319 is replaced by methionine, an amino acid with similar properties. This amino acid position is well conserved in available vertebrate species; however, methionine is the reference amino acid in other vertebrate species. In addition, this alteration is predicted to be tolerated by in silico analysis. Since supporting evidence is limited at this time, the clinical significance of this alteration remains unclear.

Natera, Inc.
Classification: Uncertain significance for Fanconi anemia, group C. Last evaluated: 2020-09-16. Review status: no assertion criteria provided. Collection method: clinical testing. Allele origin: germline. Not counted in ClinVar's aggregate classification.